The following is an entry in ClinVar:

NM_006218.4(PIK3CA):c.3198A>G (p.Ala1066=)

Gene: PIK3CA (phosphatidylinositol-4,5-bisphosphate 3-kinase catalytic subunit alpha; plus strand). Cytogenetic location: 3q26.32.
Variant type: single nucleotide variant.
Coding change: c.3198A>G on transcript NM_006218.4 (MANE Select); coding-DNA position 3198, A replaced by G.
Protein change: p.Ala1066=; no amino-acid change (alanine 1066 retained).
Molecular consequence: synonymous variant.
Genome position (GRCh38, 1-based): chr3:179,234,355, A>G. VCF-style: chr3-179234355-A-G. GRCh37 (hg19) VCF-style: chr3-178952143-A-G.
Other names: c.3198A>G (LRG_310t1).
Identifiers: ClinVar variation 412643 (VCV000412643.16), dbSNP rs201911086, ClinGen allele CA2711059.
Genomic context (GRCh38, chr3:179,234,355, plus strand): 5'-ACATCATGGTGGCTGGACAACAAAAATGGATTGGATCTTCCACACAATTAAACAGCATGC[A>G]TTGAACTGAAAAGATAACTGAGAAAATGAAAGCTCACTCTGGATTCCACACTGCACTGTT-3'
Protein context (NP_006209.2, residues 1056-1068): DWIFHTIKQH[Ala1066=]LN

ClinVar aggregate classification (germline): Likely benign. Review status: criteria provided, multiple submitters, no conflicts (2 of 4 stars). 4 submissions from 4 submitters: Likely benign (4). Last evaluated 2026-07-01.

Conditions:
Cowden syndrome (CS). Also called: Cowden's disease; Cowden's syndrome; Cowden disease. Identifiers: Orphanet 201, MedGen C0018553, MONDO:0016063. Disease mechanism: gain of function.
Inborn genetic diseases. Identifiers: MedGen C0950123, MeSH D030342.

Allele frequency attached by ClinVar (database versions not stated): ExAC 0.00006; gnomAD exomes 0.00008 and 0.00015; gnomAD 0.00009; TOPMed 0.00009.
gnomAD v4.1: 134 of 1,606,192 alleles (0.0083%); highest among the groups gnomAD compares: Non-Finnish European, 0.0016%; no homozygotes.

Submissions (4):

CeGaT Center for Human Genetics Tuebingen
Classification: Likely benign. Last evaluated: 2026-07-01. Review status: criteria provided, single submitter. Criteria: CeGaT Center For Human Genetics Tuebingen Variant Classification Criteria Version 2. Collection method: clinical testing. Allele origin: germline. Affected: yes. Observed: 1 variant allele.
Comment: PIK3CA: BP4, BP7

Labcorp Genetics (formerly Invitae), Labcorp
Classification: Likely benign for Cowden syndrome. Last evaluated: 2025-11-19. Review status: criteria provided, single submitter. Criteria: Invitae Variant Classification Sherloc (09022015). Collection method: clinical testing. Allele origin: germline.

Blueprint Genetics
Classification: Likely benign. Last evaluated: 2024-09-05. Review status: criteria provided, single submitter. Criteria: ACMG Guidelines, 2015. Collection method: clinical testing. Allele origin: germline.

Ambry Genetics
Classification: Likely benign for Inborn genetic diseases. Last evaluated: 2022-02-18. Review status: criteria provided, single submitter. Criteria: Ambry Variant Classification Scheme 2023. Collection method: clinical testing. Allele origin: germline.